The following is an entry in ClinVar:

ClinVar aggregate classification (germline): Uncertain significance (1 of 4 stars; one submission).

Conditions:
Mendelian susceptibility to mycobacterial diseases due to complete IL12B deficiency. Also called: IL12B DEFICIENCY; Immunodeficiency 29. Identifiers: Orphanet 319558, MedGen C4013948, MONDO:0013954, OMIM 614890.

Allele frequency attached by ClinVar (database versions not stated): TOPMed below 0.00001; gnomAD 0.00001; gnomAD exomes 0.00001.
gnomAD v4.1: 19 of 1,607,912 alleles (0.0012%); highest among the groups gnomAD compares: Non-Finnish European, 0.0016%; no homozygotes.

Submission:

Labcorp Genetics (formerly Invitae), Labcorp
Classification: Uncertain significance for Immunodeficiency 29. Last evaluated: 2019-05-02. Review status: criteria provided, single submitter. Criteria: Invitae Variant Classification Sherloc (09022015). Collection method: clinical testing. Allele origin: germline.
Comment: This sequence change affects codon 29 of the IL12B mRNA. It is a 'silent' change, meaning that it does not change the encoded amino acid sequence of the IL12B protein. This variant is not present in population databases (ExAC no frequency). This variant has not been reported in the literature in individuals with IL12B-related conditions. Algorithms developed to predict the effect of sequence changes on RNA splicing suggest that this variant is not likely to affect RNA splicing, but this prediction has not been confirmed by published transcriptional studies. In summary, the available evidence is currently insufficient to determine the role of this variant in disease. Therefore, it has been classified as a Variant of Uncertain Significance.

NM_002187.3(IL12B):c.87T>C (p.Asp29=)

Gene: IL12B (interleukin 12B; minus strand). Cytogenetic location: 5q33.3.
Variant type: single nucleotide variant.
Coding change: c.87T>C on transcript NM_002187.3 (MANE Select); coding-DNA position 87, T replaced by C.
Protein change: p.Asp29=; no amino-acid change (aspartic acid 29 retained).
Molecular consequence: synonymous variant.
Genome position (GRCh38, 1-based): chr5:159,326,696, A>G on the plus strand (T>C on the coding strand, the complement: IL12B is on the minus strand). VCF-style: chr5-159326696-A-G. GRCh37 (hg19) VCF-style: chr5-158753704-A-G.
Identifiers: ClinVar variation 952839 (VCV000952839.1), dbSNP rs1443086796, ClinGen allele CA447514356.